The following is an entry in ClinVar:

ClinVar aggregate classification (germline): Pathogenic (1 of 4 stars; one submission).

Submission:

Labcorp Genetics (formerly Invitae), Labcorp
Classification: Pathogenic. Last evaluated: 2021-03-20. Review status: criteria provided, single submitter. Criteria: Invitae Variant Classification Sherloc (09022015). Collection method: clinical testing. Allele origin: germline.
Comment: For these reasons, this variant has been classified as Pathogenic. This variant disrupts the initiator methionine in ACAD9. If translation initiates from the next in-frame methionine, the ACAD9 protein would no longer include the region containing the p.Phe44 amino acid residue. Other variant(s) that disrupt this residue have been observed in individuals with ACAD9-related conditions (PMID: 21057504), which suggests that this residue is clinically significant, and that variants that disrupt this residue are likely to be disease-causing. Disruption of the initiator codon has been observed in individual(s) with mitochondrial complex I deficiency (PMID: 26669660, 30025539). In at least one individual the data is consistent with the variant being in trans (on the opposite chromosome) from a pathogenic variant This variant is not present in population databases (ExAC no frequency). This sequence change affects the initiator methionine of the ACAD9 mRNA. The next in-frame methionine is located at codon p.Met124.

Literature cited by the submitters: PubMed 21057504; PubMed 26669660; PubMed 30025539.

NM_014049.5(ACAD9):c.3G>A (p.Met1Ile)

Gene: ACAD9 (acyl-CoA dehydrogenase family member 9; plus strand). Cytogenetic location: 3q21.3.
Variant type: single nucleotide variant.
Coding change: c.3G>A on transcript NM_014049.5 (MANE Select); coding-DNA position 3, G replaced by A.
Protein change: p.Met1Ile; changes the start codon (methionine 1).
Molecular consequence: missense variant, initiator codon variant. On other transcripts: non-coding transcript variant (1).
Genome position (GRCh38, 1-based): chr3:128,879,694, G>A. VCF-style: chr3-128879694-G-A. GRCh37 (hg19) VCF-style: chr3-128598537-G-A.
Other names: short protein forms M1I.
Identifiers: ClinVar variation 1451006 (VCV001451006.6), dbSNP rs2107636803, ClinGen allele CA354429485.